The following is an entry in ClinVar:

NM_001145252.3(CFP):c.308G>A (p.Arg103His)

Gene: CFP (complement factor properdin; minus strand). Cytogenetic location: Xp11.23.
Variant type: single nucleotide variant.
Coding change: c.308G>A on transcript NM_001145252.3 (MANE Select); coding-DNA position 308, G replaced by A.
Protein change: p.Arg103His; replaces arginine 103 with histidine.
Molecular consequence: missense variant.
Genome position (GRCh38, 1-based): chrX:47,628,197, C>T on the plus strand (G>A on the coding strand, the complement: CFP is on the minus strand). VCF-style: chrX-47628197-C-T. GRCh37 (hg19) VCF-style: chrX-47487596-C-T.
Other names: c.308G>A, p.Arg103His (NM_002621.2); short protein forms R103H.
Identifiers: ClinVar variation 1468915 (VCV001468915.8), dbSNP rs2057977101, ClinGen allele CA412839109.

ClinVar aggregate classification (germline): Uncertain significance (1 of 4 stars; one submission).

gnomAD v4.1: 1 of 1,211,250 alleles (0.000083%); no homozygotes.

Submission:

Labcorp Genetics (formerly Invitae), Labcorp
Classification: Uncertain significance. Last evaluated: 2024-01-23. Review status: criteria provided, single submitter. Criteria: Invitae Variant Classification Sherloc (09022015). Collection method: clinical testing. Allele origin: germline.
Comment: This sequence change replaces arginine, which is basic and polar, with histidine, which is basic and polar, at codon 103 of the CFP protein (p.Arg103His). This variant is not present in population databases (gnomAD no frequency). This variant has not been reported in the literature in individuals affected with CFP-related conditions. ClinVar contains an entry for this variant (Variation ID: 1468915). Advanced modeling of protein sequence and biophysical properties (such as structural, functional, and spatial information, amino acid conservation, physicochemical variation, residue mobility, and thermodynamic stability) performed at Invitae indicates that this missense variant is not expected to disrupt CFP protein function with a negative predictive value of 80%. In summary, the available evidence is currently insufficient to determine the role of this variant in disease. Therefore, it has been classified as a Variant of Uncertain Significance.